The following is an entry in ClinVar:

NM_000136.3(FANCC):c.1442C>T (p.Ala481Val)

Genes: AOPEP (aminopeptidase O (putative); plus strand), FANCC (FA complementation group C; minus strand). Cytogenetic location: 9q22.32.
Variant type: single nucleotide variant.
Coding change: c.1442C>T on transcript NM_000136.3 (MANE Select); coding-DNA position 1442, C replaced by T.
Protein change: p.Ala481Val; replaces alanine 481 with valine.
Molecular consequence: missense variant.
Genome position (GRCh38, 1-based): chr9:95,107,157, G>A on the plus strand (C>T on the coding strand, the complement: FANCC is on the minus strand). VCF-style: chr9-95107157-G-A. GRCh37 (hg19) VCF-style: chr9-97869439-G-A.
Other names: c.1442C>T, p.Ala481Val (NM_001243743.2); short protein forms A481V.
Identifiers: ClinVar variation 1772729 (VCV001772729.2), dbSNP rs2540809142, ClinGen allele CA374105897.

ClinVar aggregate classification (germline): Uncertain significance (1 of 4 stars; one submission).

Conditions:
Hereditary cancer-predisposing syndrome. Also called: Hereditary Cancer Syndrome; Hereditary neoplastic syndrome; Neoplastic Syndromes, Hereditary; Tumor predisposition. Identifiers: Orphanet 140162, MedGen C0027672, MeSH D009386, MONDO:0015356.

Submission:

Ambry Genetics
Classification: Uncertain significance for Hereditary cancer-predisposing syndrome. Last evaluated: 2022-02-22. Review status: criteria provided, single submitter. Criteria: Ambry Variant Classification Scheme 2023. Collection method: clinical testing. Allele origin: germline.
Comment: The p.A481V variant (also known as c.1442C>T), located in coding exon 13 of the FANCC gene, results from a C to T substitution at nucleotide position 1442. The alanine at codon 481 is replaced by valine, an amino acid with similar properties. This amino acid position is conserved. In addition, this alteration is predicted to be tolerated by in silico analysis. Since supporting evidence is limited at this time, the clinical significance of this alteration remains unclear.